The following is an entry in ClinVar:

NM_052947.4(ALPK2):c.4259C>G (p.Pro1420Arg)

Genes: ALPK2 (alpha kinase 2; minus strand), LOC126862764 (BRD4-independent group 4 enhancer GRCh37_chr18:56202574-56203773; plus strand). Cytogenetic location: 18q21.31.
Variant type: single nucleotide variant.
Coding change: c.4259C>G on transcript NM_052947.4 (MANE Select); coding-DNA position 4259, C replaced by G.
Protein change: p.Pro1420Arg; replaces proline 1420 with arginine.
Molecular consequence: missense variant.
Genome position (GRCh38, 1-based): chr18:58,535,928, G>C on the plus strand (C>G on the coding strand, the complement: ALPK2 is on the minus strand). VCF-style: chr18-58535928-G-C. GRCh37 (hg19) VCF-style: chr18-56203160-G-C.
Other names: short protein forms P1420R.
Identifiers: ClinVar variation 3228729 (VCV003228729.1), dbSNP rs2051643730, ClinGen allele CA402563456.

ClinVar aggregate classification (germline): Uncertain significance (1 of 4 stars; one submission).

Submission:

Ambry Genetics
Classification: Uncertain significance. Last evaluated: 2023-12-24. Review status: criteria provided, single submitter. Criteria: Ambry Variant Classification Scheme 2023. Collection method: clinical testing. Allele origin: germline.
Comment: The p.P1420R variant (also known as c.4259C>G), located in coding exon 4 of the ALPK2 gene, results from a C to G substitution at nucleotide position 4259. The proline at codon 1420 is replaced by arginine, an amino acid with dissimilar properties. This amino acid position is conserved. In addition, this alteration is predicted to be tolerated by in silico analysis. Since supporting evidence is limited at this time, the clinical significance of this alteration remains unclear.